The following is an entry in ClinVar:

NM_002474.3(MYH11):c.3480C>T (p.Asp1160=)

Gene: MYH11 (myosin heavy chain 11; minus strand). Cytogenetic location: 16p13.11.
Variant type: single nucleotide variant.
Coding change: c.3480C>T on transcript NM_002474.3 (MANE Select); coding-DNA position 3480, C replaced by T.
Protein change: p.Asp1160=; no amino-acid change (aspartic acid 1160 retained).
Molecular consequence: synonymous variant.
Genome position (GRCh38, 1-based): chr16:15,735,392, G>A on the plus strand (C>T on the coding strand, the complement: MYH11 is on the minus strand). VCF-style: chr16-15735392-G-A. GRCh37 (hg19) VCF-style: chr16-15829249-G-A.
Other names: c.3501C>T, p.Asp1167= (NM_001040113.2, NM_001040114.2); c.3480C>T, p.Asp1160= (NM_022844.3).
Identifiers: ClinVar variation 227571 (VCV000227571.13), dbSNP rs771004572, ClinGen allele CA7921990.
Genomic context (GRCh38, chr16:15,735,392, plus strand): 5'-GATAGCAGGATGGTGGGATTGATGGGCCCCTCACCTGAGCTCCTGCTGAGTGGCTGTGCT[G>A]TCCAGTGTGTCTTCCAGCTCTGTCTTTAGGGCCTCCAGCTCCTCGCCGAGGTCTCGCTTC-3'
Protein context (NP_002465.1, residues 1150-1170): ALKTELEDTL[Asp1160=]STATQQELRA

ClinVar aggregate classification (germline): Likely benign. Review status: criteria provided, multiple submitters, no conflicts (2 of 4 stars). 3 submissions from 3 submitters: Likely benign (3). Last evaluated 2024-10-17.

Conditions:
Familial thoracic aortic aneurysm and aortic dissection (TAAD). Also called: Thoracic aortic aneurysms and dissections. Identifiers: Orphanet 91387, MedGen C4707243, MONDO:0019625.
Aortic aneurysm, familial thoracic 4 (AAT4). Also called: AORTIC ANEURYSM/AORTIC DISSECTION AND PATENT DUCTUS ARTERIOSUS. Identifiers: MedGen C1851504, MONDO:0007568, OMIM 132900.

Allele frequency attached by ClinVar (database versions not stated): ExAC 0.00001; gnomAD exomes 0.00001 and 0.00002.
gnomAD v4.1: 7 of 1,613,988 alleles (0.00043%); highest among the groups gnomAD compares: Admixed American, 0.012%; no homozygotes.

Submissions (3):

Labcorp Genetics (formerly Invitae), Labcorp
Classification: Likely benign for Aortic aneurysm, familial thoracic 4. Last evaluated: 2024-10-17. Review status: criteria provided, single submitter. Criteria: Invitae Variant Classification Sherloc (09022015). Collection method: clinical testing. Allele origin: germline.

All of Us Research Program, National Institutes of Health
Classification: Likely benign for Familial thoracic aortic aneurysm and aortic dissection. Last evaluated: 2024-05-14. Review status: criteria provided, single submitter. Criteria: ACMG Guidelines, 2015. Collection method: clinical testing. Allele origin: germline. Inheritance: Autosomal dominant inheritance. Observed: 1 variant allele, 1 heterozygote.
Comment: This study involves interpretation of variants in research participants for the purpose of population health screening. Participant phenotype was not available at the time of variant classification. Additional details can be found in publication PMID: 35346344, PMCID: PMC8962531

Laboratory for Molecular Medicine, Mass General Brigham Personalized Medicine
Classification: Likely benign. Last evaluated: 2015-05-08. Review status: criteria provided, single submitter. Criteria: LMM Criteria. Collection method: clinical testing. Allele origin: germline. Observed: 1 variant allele.
Comment: p.Asp1167Asp in exon 27 of MYH11: This variant is not expected to have clinical significance because it does not alter an amino acid residue and is not located within the splice consensus sequence. It has been identified in 1/11578 Latino c hromosomes by the Exome Aggregation Consortium (ExAC .org).